The following is an entry in ClinVar:

NM_032043.3(BRIP1):c.671G>C (p.Gly224Ala)

Gene: BRIP1 (BRCA1 interacting DNA helicase 1; minus strand). Cytogenetic location: 17q23.2.
Variant type: single nucleotide variant.
Coding change: c.671G>C on transcript NM_032043.3 (MANE Select); coding-DNA position 671, G replaced by C.
Protein change: p.Gly224Ala; replaces glycine 224 with alanine.
Molecular consequence: missense variant.
Genome position (GRCh38, 1-based): chr17:61,808,714, C>G on the plus strand (G>C on the coding strand, the complement: BRIP1 is on the minus strand). VCF-style: chr17-61808714-C-G. GRCh37 (hg19) VCF-style: chr17-59886075-C-G.
Other names: short protein forms G224A.
Identifiers: ClinVar variation 491477 (VCV000491477.22), dbSNP rs990737815, ClinGen allele CA292287866.

ClinVar aggregate classification (germline): Uncertain significance. Review status: criteria provided, multiple submitters, no conflicts (2 of 4 stars). 6 submissions from 6 submitters: Uncertain significance (6). Last evaluated 2026-04-22.

Conditions:
Familial cancer of breast. Also called: BREAST CANCER, FAMILIAL; hereditary breast carcinoma; Hereditary breast cancer. Identifiers: Orphanet 227535, MedGen C0346153, MONDO:0016419, OMIM 114480. Disease mechanism: loss of function.
Hereditary cancer-predisposing syndrome. Also called: Tumor predisposition; Hereditary neoplastic syndrome; Neoplastic Syndromes, Hereditary; Hereditary Cancer Syndrome. Identifiers: Orphanet 140162, MedGen C0027672, MeSH D009386, MONDO:0015356.
Fanconi anemia complementation group J. Also called: BRIP1-Related Fanconi Anemia. Identifiers: Orphanet 84, MedGen C1836860, MONDO:0012187, OMIM 609054.

Allele frequency attached by ClinVar (database versions not stated): gnomAD exomes below 0.00001.
gnomAD v4.1: 3 of 1,613,816 alleles (0.00019%); highest among the groups gnomAD compares: Admixed American, 0.0017%; no homozygotes.

Submissions (6):

Dasa
Classification: Uncertain significance. Last evaluated: 2026-04-22. Review status: criteria provided, single submitter. Criteria: DASA Assertion Criteria. Collection method: clinical testing. Allele origin: germline.
Comment: NM_032043.3(BRIP1):c.671G>C (p.Gly224Ala) is a missense variant that results in the substitution of glycine with alanine. This variant is rare in population databases. Computational prediction algorithms are consistent with a benign effect. The currently available literature and clinical evidence are not sufficient to establish a definitive association between this variant and the reported condition. Therefore, this variant is classified as a variant of uncertain significance.

Ambry Genetics
Classification: Uncertain significance for Hereditary cancer-predisposing syndrome. Last evaluated: 2025-08-23. Review status: criteria provided, single submitter. Criteria: Ambry Variant Classification Scheme 2023. Collection method: clinical testing. Allele origin: germline.
Comment: The p.G224A variant (also known as c.671G>C), located in coding exon 6 of the BRIP1 gene, results from a G to C substitution at nucleotide position 671. The glycine at codon 224 is replaced by alanine, an amino acid with similar properties. This amino acid position is conserved. In addition, this alteration is predicted to be tolerated by in silico analysis. Since supporting evidence is limited at this time, the clinical significance of this alteration remains unclear.

Labcorp Genetics (formerly Invitae), Labcorp
Classification: Uncertain significance for Familial cancer of breast; Fanconi anemia complementation group J. Last evaluated: 2025-05-13. Review status: criteria provided, single submitter. Criteria: Invitae Variant Classification Sherloc (09022015). Collection method: clinical testing. Allele origin: germline.
Comment: This sequence change replaces glycine, which is neutral and non-polar, with alanine, which is neutral and non-polar, at codon 224 of the BRIP1 protein (p.Gly224Ala). This variant is present in population databases (no rsID available, gnomAD no frequency). This variant has not been reported in the literature in individuals affected with BRIP1-related conditions. ClinVar contains an entry for this variant (Variation ID: 491477). Invitae Evidence Modeling of protein sequence and biophysical properties (such as structural, functional, and spatial information, amino acid conservation, physicochemical variation, residue mobility, and thermodynamic stability) indicates that this missense variant is not expected to disrupt BRIP1 protein function with a negative predictive value of 95%. In summary, the available evidence is currently insufficient to determine the role of this variant in disease. Therefore, it has been classified as a Variant of Uncertain Significance.

Color Diagnostics, LLC DBA Color Health
Classification: Uncertain significance for Hereditary cancer-predisposing syndrome. Last evaluated: 2023-12-05. Review status: criteria provided, single submitter. Criteria: ACMG Guidelines, 2015. Collection method: clinical testing. Allele origin: germline.
Comment: This missense variant replaces glycine with alanine at codon 224 of the BRIP1 protein. Computational prediction suggests that this variant may not impact protein structure and function (internally defined REVEL score threshold <= 0.5, PMID: 27666373). To our knowledge, functional studies have not been reported for this variant. This variant has not been reported in individuals affected with BRIP1-related disorders in the literature. This variant has been identified in 1/250882 chromosomes in the general population by the Genome Aggregation Database (gnomAD). The available evidence is insufficient to determine the role of this variant in disease conclusively. Therefore, this variant is classified as a Variant of Uncertain Significance.

GeneDx
Classification: Uncertain significance. Last evaluated: 2023-02-24. Review status: criteria provided, single submitter. Criteria: GeneDx Variant Classification Process June 2021. Collection method: clinical testing. Allele origin: germline. Affected: yes.
Comment: Not observed at significant frequency in large population cohorts (gnomAD); In silico analysis supports that this missense variant does not alter protein structure/function; Has not been previously published as pathogenic or benign to our knowledge

Mendelics
Classification: Uncertain significance for Familial cancer of breast. Last evaluated: 2019-05-28. Review status: criteria provided, single submitter. Criteria: Mendelics Assertion Criteria 2017. Collection method: clinical testing. Allele origin: unknown.